The following is an entry in ClinVar:

ClinVar aggregate classification (germline): Benign. Review status: criteria provided, multiple submitters, no conflicts (2 of 4 stars). 2 submissions from 2 submitters: Benign (2). Last evaluated 2018-01-13.

Conditions:
Schnyder crystalline corneal dystrophy (SCCD). Also called: Crystalline corneal dystrophy; Schnyder corneal dystrophy. Identifiers: Orphanet 98967, MedGen C0271287, MONDO:0007374, OMIM 121800.

Allele frequency attached by ClinVar (database versions not stated): 1000 Genomes Project 30x 0.22392; gnomAD exomes 0.02941; gnomAD 0.16890 and 0.16624; 1000 Genomes Project 0.22344; TOPMed 0.17933.
gnomAD v4.1: 25,094 of 152,220 alleles (16%); highest among the groups gnomAD compares: African/African-American, 42%; 4,105 homozygotes.

Submissions (2):

Illumina Laboratory Services, Illumina
Classification: Benign for Schnyder crystalline corneal dystrophy. Last evaluated: 2018-01-13. Review status: criteria provided, single submitter. Criteria: ICSL Variant Classification Criteria 13 December 2019. Collection method: clinical testing. Allele origin: germline.
Comment: This variant was observed in the ICSL laboratory as part of a predisposition screen in an ostensibly healthy population. It had not been previously curated by ICSL or reported in the Human Gene Mutation Database (HGMD: prior to June 1st, 2018), and was therefore a candidate for classification through an automated scoring system. Utilizing variant allele frequency, disease prevalence and penetrance estimates, and inheritance mode, an automated score was calculated to assess if this variant is too frequent to cause the disease. Based on the score and internal cut-off values, a variant classified as benign is not then subjected to further curation. The score for this variant resulted in a classification of benign for this disease.

Breakthrough Genomics
Classification: Benign. Review status: criteria provided, single submitter. Criteria: ACMG Guidelines, 2015. Collection method: not provided. Allele origin: germline. Inheritance: Autosomal dominant inheritance. Affected: yes.

NM_013319.3(UBIAD1):c.*904T>C

Gene: UBIAD1 (UbiA prenyltransferase domain containing 1; plus strand). Cytogenetic location: 1p36.22.
Variant type: single nucleotide variant.
Coding change: c.*904T>C on transcript NM_013319.3 (MANE Select); 904 bases downstream of the stop codon, T replaced by C.
Molecular consequence: 3 prime UTR variant. On other transcripts: intron variant (2).
Genome position (GRCh38, 1-based): chr1:11,287,035, T>C. VCF-style: chr1-11287035-T-C. GRCh37 (hg19) VCF-style: chr1-11347092-T-C.
Other names: c.618+1303T>C (NM_001330349.2); c.530-7838T>C (NM_001330350.2).
Identifiers: ClinVar variation 291886 (VCV000291886.6), dbSNP rs3765906, ClinGen allele CA10607335.
Genomic context (GRCh38, chr1:11,287,035, plus strand): 5'-GATACTCAAAGCCCACAGGGCTTTTCCCTCCCTATTGCATCTTCTGATGCTCCCCACACC[T>C]ACCCTCCACCTCTCCACCTCTGTGGTGTTCCCATTTGTGTGTTTCCCATCTGTGGAGCCA-3'